The following is an entry in ClinVar:

ClinVar aggregate classification (germline): Uncertain significance (1 of 4 stars; one submission).

Submission:

Labcorp Genetics (formerly Invitae), Labcorp
Classification: Uncertain significance. Last evaluated: 2021-08-19. Review status: criteria provided, single submitter. Criteria: Invitae Variant Classification Sherloc (09022015). Collection method: clinical testing. Allele origin: germline.
Comment: This sequence change replaces threonine with isoleucine at codon 648 of the COL7A1 protein (p.Thr648Ile). The threonine residue is moderately conserved and there is a moderate physicochemical difference between threonine and isoleucine. This variant is not present in population databases (ExAC no frequency). This variant has not been reported in the literature in individuals affected with COL7A1-related conditions. Advanced modeling of protein sequence and biophysical properties (such as structural, functional, and spatial information, amino acid conservation, physicochemical variation, residue mobility, and thermodynamic stability) performed at Invitae indicates that this missense variant is not expected to disrupt COL7A1 protein function. In summary, the available evidence is currently insufficient to determine the role of this variant in disease. Therefore, it has been classified as a Variant of Uncertain Significance.

NM_000094.4(COL7A1):c.1943C>T (p.Thr648Ile)

Gene: COL7A1 (collagen type VII alpha 1 chain; minus strand). Cytogenetic location: 3p21.31.
Variant type: single nucleotide variant.
Coding change: c.1943C>T on transcript NM_000094.4 (MANE Select); coding-DNA position 1943, C replaced by T.
Protein change: p.Thr648Ile; replaces threonine 648 with isoleucine.
Molecular consequence: missense variant.
Genome position (GRCh38, 1-based): chr3:48,590,320, G>A on the plus strand (C>T on the coding strand, the complement: COL7A1 is on the minus strand). VCF-style: chr3-48590320-G-A. GRCh37 (hg19) VCF-style: chr3-48627753-G-A.
Other names: short protein forms T648I.
Identifiers: ClinVar variation 1376102 (VCV001376102.3), dbSNP rs2107778887, ClinGen allele CA352727097.